The following is an entry in ClinVar:

NM_182493.3(MYLK3):c.82A>C (p.Lys28Gln)

Gene: MYLK3 (myosin light chain kinase 3; minus strand). Cytogenetic location: 16q11.2.
Variant type: single nucleotide variant.
Coding change: c.82A>C on transcript NM_182493.3 (MANE Select); coding-DNA position 82, A replaced by C.
Protein change: p.Lys28Gln; replaces lysine 28 with glutamine.
Molecular consequence: missense variant. On other transcripts: intron variant (1).
Genome position (GRCh38, 1-based): chr16:46,748,112, T>G on the plus strand (A>C on the coding strand, the complement: MYLK3 is on the minus strand). VCF-style: chr16-46748112-T-G. GRCh37 (hg19) VCF-style: chr16-46782024-T-G.
Other names: c.-113-7965A>C (NM_001308301.1); short protein forms K28Q.
Identifiers: ClinVar variation 1486664 (VCV001486664.6), dbSNP rs144608975, ClinGen allele CA280241587.
Genomic context (GRCh38, chr16:46,748,112, plus strand): 5'-CTGTGACATCTTCTTGGAAGTGCAGGAGCTGGTCCACCTTCTCGTTCAGCATGTTCAGCT[T>G]TGTGTCCATGGTTGTTAAGCAGGTCTTGCCCAACCCTGGCAGCCCCCCATGCCCCAGACT-3'
Protein context (NP_872299.2, residues 18-38): GKTCLTTMDT[Lys28Gln]LNMLNEKVDQ

ClinVar aggregate classification (germline): Uncertain significance (1 of 4 stars; one submission).

Allele frequency attached by ClinVar (database versions not stated): gnomAD exomes below 0.00001 and 0.00002; gnomAD 0.00001; TOPMed 0.00001; ESP Exome Variant Server 0.00008.
gnomAD v4.1: 34 of 1,614,118 alleles (0.0021%); highest among the groups gnomAD compares: Non-Finnish European, 0.0028%; no homozygotes.

Submission:

Labcorp Genetics (formerly Invitae), Labcorp
Classification: Uncertain significance. Last evaluated: 2025-04-10. Review status: criteria provided, single submitter. Criteria: Invitae Variant Classification Sherloc (09022015). Collection method: clinical testing. Allele origin: germline.
Comment: This sequence change replaces lysine, which is basic and polar, with glutamine, which is neutral and polar, at codon 28 of the MYLK3 protein (p.Lys28Gln). This variant is present in population databases (rs144608975, gnomAD 0.0009%). This variant has not been reported in the literature in individuals affected with MYLK3-related conditions. ClinVar contains an entry for this variant (Variation ID: 1486664). An algorithm developed to predict the effect of missense changes on protein structure and function (PolyPhen-2) suggests that this variant is likely to be disruptive. In summary, the available evidence is currently insufficient to determine the role of this variant in disease. Therefore, it has been classified as a Variant of Uncertain Significance.